The following is an entry in ClinVar:

NM_032043.3(BRIP1):c.1671C>G (p.Ser557=)

Gene: BRIP1 (BRCA1 interacting DNA helicase 1; minus strand). Cytogenetic location: 17q23.2.
Variant type: single nucleotide variant.
Coding change: c.1671C>G on transcript NM_032043.3 (MANE Select); coding-DNA position 1671, C replaced by G.
Protein change: p.Ser557=; no amino-acid change (serine 557 retained).
Molecular consequence: synonymous variant.
Genome position (GRCh38, 1-based): chr17:61,780,963, G>C on the plus strand (C>G on the coding strand, the complement: BRIP1 is on the minus strand). VCF-style: chr17-61780963-G-C. GRCh37 (hg19) VCF-style: chr17-59858324-G-C.
Identifiers: ClinVar variation 3378805 (VCV003378805.1).
Genomic context (GRCh38, chr17:61,780,963, plus strand): 5'-CTTATTTTTTGGTAGAACCAACAACCCATTTTTGTCTGAAATATCAATCTGATTTGTCCA[G>C]GAGTAAGTCTGTTGAATCGCAATTTTATAATCATCTGCAAATCTAGATGCAAAGAAAGTG-3'
Protein context (NP_114432.2, residues 547-567): DYKIAIQQTY[Ser557=]WTNQIDISDK

ClinVar aggregate classification (germline): Benign (1 of 4 stars; one submission).

Conditions:
Familial cancer of breast. Also called: hereditary breast carcinoma; Hereditary breast cancer; BREAST CANCER, FAMILIAL. Identifiers: Orphanet 227535, MedGen C0346153, MONDO:0016419, OMIM 114480. Disease mechanism: loss of function.

Submission:

Myriad Genetics, Inc.
Classification: Benign for Familial cancer of breast. Last evaluated: 2024-08-29. Review status: criteria provided, single submitter. Criteria: Myriad Autosomal Dominant, Autosomal Recessive and X-Linked Classification Criteria (2023). Collection method: clinical testing. Allele origin: unknown.
Comment: This variant is considered benign. This variant is a silent/synonymous amino acid change and it is not expected to impact splicing.